The following is an entry in ClinVar:

NM_015267.4(CUX2):c.2407G>A (p.Val803Met)

Gene: CUX2 (cut like homeobox 2; plus strand). Cytogenetic location: 12q24.12.
Variant type: single nucleotide variant.
Coding change: c.2407G>A on transcript NM_015267.4 (MANE Select); coding-DNA position 2407, G replaced by A.
Protein change: p.Val803Met; replaces valine 803 with methionine.
Molecular consequence: missense variant.
Genome position (GRCh38, 1-based): chr12:111,320,416, G>A. VCF-style: chr12-111320416-G-A. GRCh37 (hg19) VCF-style: chr12-111758220-G-A.
Other names: c.2221G>A, p.Val741Met (NM_001370598.1); short protein forms V741M, V803M.
Identifiers: ClinVar variation 3357183 (VCV003357183.15).

ClinVar aggregate classification (germline): Uncertain significance. Review status: criteria provided, multiple submitters, no conflicts (2 of 4 stars). 3 submissions from 3 submitters: Uncertain significance (2). 1 of the submissions does not count toward it. Last evaluated 2024-12-01.

Conditions:
CUX2-related disorder. Also called: CUX2-related condition.

gnomAD v4.1: 12 of 1,597,690 alleles (0.00075%); highest among the groups gnomAD compares: Non-Finnish European, 0.001%; no homozygotes.

Submissions (3):

CeGaT Center for Human Genetics Tuebingen
Classification: Uncertain significance. Last evaluated: 2024-12-01. Review status: criteria provided, single submitter. Criteria: CeGaT Center For Human Genetics Tuebingen Variant Classification Criteria Version 2. Collection method: clinical testing. Allele origin: germline. Affected: yes. Observed: 1 variant allele.

Blueprint Genetics
Classification: Uncertain significance. Last evaluated: 2021-12-20. Review status: criteria provided, single submitter. Criteria: ACMG Guidelines, 2015. Collection method: clinical testing. Allele origin: germline.

PreventionGenetics, part of Exact Sciences
Classification: Uncertain significance for CUX2-related condition. Last evaluated: 2024-06-27. Review status: no assertion criteria provided. Collection method: clinical testing. Allele origin: germline. Not counted in ClinVar's aggregate classification.
Comment: The CUX2 c.2407G>A variant is predicted to result in the amino acid substitution p.Val803Met. To our knowledge, this variant has not been reported in the literature. This variant is absent from the gnomAD v2 database (as displayed in the table above). However, in gnomAD v4 (available only on GRCh38), this variant is reported in 12 individuals, which may bee too common for a primary cause of disease. At this time, the clinical significance of this variant is uncertain due to the absence of conclusive functional and genetic evidence.